The following is an entry in ClinVar:

NC_000023.10:g.(31838201_31854834)_(31950345_31986455)dup

Gene: DMD (dystrophin; minus strand). Cytogenetic location: Xp21.1.
Variant type: Duplication.
Identifiers: ClinVar variation 1704536 (VCV001704536.1).

ClinVar aggregate classification (germline): Pathogenic (1 of 4 stars; one submission).

Conditions:
Neuromuscular disease caused by qualitative or quantitative defects of dystrophin. Also called: Qualitative or quantitative defects of dystrophin. Identifiers: Orphanet 207085, MedGen C5679787, MONDO:0016147.

Submission:

Women's Health and Genetics/Laboratory Corporation of America, LabCorp
Classification: Pathogenic for Neuromuscular disease caused by qualitative or quantitative defects of dystrophin. Last evaluated: 2022-07-06. Review status: criteria provided, single submitter. Criteria: LabCorp Variant Classification Summary - May 2015. Collection method: clinical testing. Allele origin: germline.
Comment: Variant summary: The variant identified by MLPA or other technology involves the duplication of exons 46-49 in the DMD gene. A presumed nomenclature of c.(6614+1_6615-1)_(7200+1_7201-1)dup has been designated for the purposes of this classification. It has been assumed that this is a tandem duplication in direct orientation (Richardson_GIM_2018, Newman_AJHG_2015). Although exact breakpoints of this duplication are not known, it is expected to result in a frameshift in the DMD gene, a known mechanism of disease. The variant was absent in 16117 control chromosomes (gnomAD, Structural Variants dataset). Duplication of exons 46-49 has been reported in the literature in individuals affected with Dystrophinopathies (e.g. Cunniff_2009, Polavarapu_2019). These data indicate that the variant is likely to be associated with disease. A ClinVar submitter (evaluation after 2014) cites the variant as pathogenic. Based on the evidence outlined above, the variant was classified as pathogenic.

Literature cited by the submitters: PubMed 31139960; PubMed 19074751.